The following is an entry in ClinVar:

NM_003590.5(CUL3):c.1206+3A>C

Gene: CUL3 (cullin 3; minus strand). Cytogenetic location: 2q36.2.
Variant type: single nucleotide variant.
Coding change: c.1206+3A>C on transcript NM_003590.5 (MANE Select); 3 bases into the intron after coding-DNA position 1206, A replaced by C.
Molecular consequence: intron variant.
Genome position (GRCh38, 1-based): chr2:224,505,953, T>G on the plus strand (A>C on the coding strand, the complement: CUL3 is on the minus strand). VCF-style: chr2-224505953-T-G. GRCh37 (hg19) VCF-style: chr2-225370670-T-G.
Other names: c.1008+3A>C (NM_001257197.2); c.1224+3A>C (NM_001257198.2).
Identifiers: ClinVar variation 3765831 (VCV003765831.1).
Genomic context (GRCh38, chr2:224,505,953, plus strand): 5'-TTACATATAATTTTATATCTTTAAATAAAATTAAATGTTATTTTCAAATGCATTACTACT[T>G]ACCCCTTTGACTCCCTTTTTCAGCTTATCATCAATAAATAATGAGAGGTATTCAGGAGAC-3'

ClinVar aggregate classification (germline): Uncertain significance (1 of 4 stars; one submission).

Submission:

Greenwood Genetic Center Diagnostic Laboratories, Greenwood Genetic Center
Classification: Uncertain significance. Last evaluated: 2024-12-18. Review status: criteria provided, single submitter. Criteria: ACMG Guidelines, 2015. Collection method: clinical testing. Allele origin: germline. Affected: yes.
Comment: PM2